The following is an entry in ClinVar:

NM_005876.5(SPEG):c.3301+4C>T

Gene: SPEG (striated muscle enriched protein kinase; plus strand). Cytogenetic location: 2q35.
Variant type: single nucleotide variant.
Coding change: c.3301+4C>T on transcript NM_005876.5 (MANE Select); 4 bases into the intron after coding-DNA position 3301, C replaced by T.
Molecular consequence: intron variant.
Genome position (GRCh38, 1-based): chr2:219,468,740, C>T. VCF-style: chr2-219468740-C-T. GRCh37 (hg19) VCF-style: chr2-220333462-C-T.
Identifiers: ClinVar variation 715565 (VCV000715565.12), dbSNP rs114606131, ClinGen allele CA2126118.
Genomic context (GRCh38, chr2:219,468,740, plus strand): 5'-GTTTCGACTGCAAGATCAGTGGCACCCCGCCCCCTGTTGTTACCTGGACTCATTTTGGTA[C>T]GGCCCCTGTGCTGCAGGTGTTGAGGGCCCCCCCAAGGGCCCAGGCGGCGATGGGGTGCAC-3'

ClinVar aggregate classification (germline): Benign/Likely benign. Review status: criteria provided, multiple submitters, no conflicts (2 of 4 stars). 3 submissions from 3 submitters: Benign (1); Likely benign (1). 1 of the submissions does not count toward it. Last evaluated 2026-01-21.

Conditions:
SPEG-related disorder. Also called: SPEG-related condition.

Allele frequency attached by ClinVar (database versions not stated): gnomAD exomes 0.00035 and 0.00091; ExAC 0.00109; gnomAD 0.00306 and 0.00325; TOPMed 0.00334; ESP Exome Variant Server 0.00351; 1000 Genomes Project 0.00579; 1000 Genomes Project 30x 0.00625.
gnomAD v4.1: 1,010 of 1,613,828 alleles (0.063%); highest among the groups gnomAD compares: African/African-American, 1.1%; 8 homozygotes.

Submissions (3):

Labcorp Genetics (formerly Invitae), Labcorp
Classification: Benign. Last evaluated: 2026-01-21. Review status: criteria provided, single submitter. Criteria: Invitae Variant Classification Sherloc (09022015). Collection method: clinical testing. Allele origin: germline.

Blueprint Genetics
Classification: Likely benign. Last evaluated: 2024-11-26. Review status: criteria provided, single submitter. Criteria: ACMG Guidelines, 2015. Collection method: clinical testing. Allele origin: germline.

PreventionGenetics, part of Exact Sciences
Classification: Benign for SPEG-related condition. Last evaluated: 2019-05-31. Review status: no assertion criteria provided. Collection method: clinical testing. Allele origin: germline. Not counted in ClinVar's aggregate classification.
Comment: This variant is classified as benign based on ACMG/AMP sequence variant interpretation guidelines (Richards et al. 2015 PMID: 25741868, with internal and published modifications).